The following is an entry in ClinVar:

ClinVar aggregate classification (germline): Uncertain significance (1 of 4 stars; one submission).

Conditions:
Mitochondrial DNA depletion syndrome 13. Also called: FBXL4-Related Encephalomyopathic Mitochondrial DNA Depletion Syndrome; Mitochondrial DNA depletion syndrome 13 (encephalomyopathic type). Identifiers: Orphanet 369897, MedGen C3809592, MONDO:0014198, OMIM 615471.

gnomAD v4.1: 1 of 1,611,468 alleles (0.000062%); highest among the groups gnomAD compares: South Asian, 0.0011%; no homozygotes.

Submission:

Wong Mito Lab, Molecular and Human Genetics, Baylor College of Medicine
Classification: Uncertain significance for Mitochondrial DNA depletion syndrome 13. Last evaluated: 2017-08-10. Review status: criteria provided, single submitter. Criteria: ACMG Guidelines, 2015. Collection method: reference population. Allele origin: germline.
Comment: The NM_012160.4:c.1745A>C (NP_036292.2:p.Glu582Ala) [GRCH38: NC_000006.12:g.98874399T>G] variant in FBXL4 gene is interpretated to be a Uncertain Significance - Insufficient Evidence based on ACMG guidelines (PMID: 25741868). This variant meets one or more of the following evidence codes reported in the ACMG-guideline. PM2:This variant is absent in key population databases. Based on this evidence code ClinGen Pathogenicity Calculator (PMID:28081714) suggested that the variant is Uncertain Significance - Insufficient Evidence.

NM_001278716.2(FBXL4):c.1745A>C (p.Glu582Ala)

Gene: FBXL4 (F-box and leucine rich repeat protein 4; minus strand). Cytogenetic location: 6q16.1.
Variant type: single nucleotide variant.
Coding change: c.1745A>C on transcript NM_001278716.2 (MANE Select); coding-DNA position 1745, A replaced by C.
Protein change: p.Glu582Ala; replaces glutamic acid 582 with alanine.
Molecular consequence: missense variant. On other transcripts: non-coding transcript variant (1).
Genome position (GRCh38, 1-based): chr6:98,874,399, T>G on the plus strand (A>C on the coding strand, the complement: FBXL4 is on the minus strand). VCF-style: chr6-98874399-T-G. GRCh37 (hg19) VCF-style: chr6-99322275-T-G.
Other names: c.1745A>C, p.Glu582Ala (NM_012160.5); short protein forms E582A.
Identifiers: ClinVar variation 437806 (VCV000437806.1), dbSNP rs774709441, ClinGen allele CA3933351.